The following is an entry in ClinVar:

NM_030912.3(TRIM8):c.247G>A (p.Val83Met)

Gene: TRIM8 (tripartite motif containing 8; plus strand). Cytogenetic location: 10q24.32.
Variant type: single nucleotide variant.
Coding change: c.247G>A on transcript NM_030912.3 (MANE Select); coding-DNA position 247, G replaced by A.
Protein change: p.Val83Met; replaces valine 83 with methionine.
Molecular consequence: missense variant. On other transcripts: non-coding transcript variant (1).
Genome position (GRCh38, 1-based): chr10:102,644,864, G>A. VCF-style: chr10-102644864-G-A. GRCh37 (hg19) VCF-style: chr10-104404621-G-A.
Other names: c.247G>A, p.Val83Met (NM_001345950.1); short protein forms V83M.
Identifiers: ClinVar variation 4691036 (VCV004691036.1).

ClinVar aggregate classification (germline): Uncertain significance (1 of 4 stars; one submission).

gnomAD v4.1: 5 of 1,612,174 alleles (0.00031%); highest among the groups gnomAD compares: African/African-American, 0.0053%; no homozygotes.

Submission:

Labcorp Genetics (formerly Invitae), Labcorp
Classification: Uncertain significance. Last evaluated: 2025-08-31. Review status: criteria provided, single submitter. Criteria: Invitae Variant Classification Sherloc (09022015). Collection method: clinical testing. Allele origin: germline.
Comment: This sequence change replaces valine, which is neutral and non-polar, with methionine, which is neutral and non-polar, at codon 83 of the TRIM8 protein (p.Val83Met). This variant is not present in population databases (gnomAD no frequency). This variant has not been reported in the literature in individuals affected with TRIM8-related conditions. An algorithm developed to predict the effect of missense changes on protein structure and function (PolyPhen-2) suggests that this variant is likely to be tolerated. In summary, the available evidence is currently insufficient to determine the role of this variant in disease. Therefore, it has been classified as a Variant of Uncertain Significance.